The following is an entry in ClinVar:

NM_006258.4(PRKG1):c.1077-18dup

Gene: PRKG1 (protein kinase cGMP-dependent 1; plus strand). Cytogenetic location: 10q21.1.
Variant type: Duplication.
Coding change: c.1077-18dup on transcript NM_006258.4 (MANE Select); 18 bases into the intron before coding-DNA position 1077, one base duplicated (T; older notation c.1077-18dupT).
Molecular consequence: intron variant.
Genome position (GRCh38, 1-based): chr10:52,251,552, T duplicated; the last of 6 consecutive T bases (chr10:52,251,547-52,251,552); duplicating any one gives the same sequence. VCF-style (leftmost placement, unchanged base first): chr10-52251546-A-AT. GRCh37 (hg19) VCF-style: chr10-54011306-A-AT.
Other names: c.1032-18dup (NM_001098512.3); c.-133-18dup (NM_001374781.1); c.1077-18dupT (NM_006258.4).
Identifiers: ClinVar variation 3896485 (VCV003896485.2).

ClinVar aggregate classification (germline): Benign (1 of 4 stars; one submission).

Submission:

Women's Health and Genetics/Laboratory Corporation of America, LabCorp
Classification: Benign. Last evaluated: 2025-04-04. Review status: criteria provided, single submitter. Criteria: LabCorp Variant Classification Summary - May 2015. Collection method: clinical testing. Allele origin: germline.
Comment: Variant summary: PRKG1 c.1077-18dupT alters a conserved nucleotide located at a position not widely known to affect splicing. Consensus agreement among computation tools predict no significant impact on normal splicing. However, these predictions have yet to be confirmed by functional studies. The variant allele was found at a frequency of 0.00014 in 250276 control chromosomes. The observed variant frequency is approximately 10.87 fold of the estimated maximal expected allele frequency for a pathogenic variant in PRKG1 causing Thoracic Aortic Aneurysms And Dissections phenotype (1.3e-05). To our knowledge, no occurrence of c.1077-18dupT in individuals affected with Thoracic Aortic Aneurysms And Dissections and no experimental evidence demonstrating its impact on protein function have been reported. No submitters have cited clinical-significance assessments for this variant to ClinVar. Based on the evidence outlined above, the variant was classified as benign.